The following is an entry in ClinVar:

ClinVar aggregate classification (germline): Conflicting classifications of pathogenicity. Review status: criteria provided, conflicting classifications (1 of 4 stars). 5 submissions from 5 submitters: Uncertain significance (2); Likely benign (2). 1 of the submissions does not count toward it. Last evaluated 2025-10-20.

Conditions:
Inborn genetic diseases. Identifiers: MedGen C0950123, MeSH D030342.
RAI1-related disorder. Also called: RAI1-related condition.

Allele frequency attached by ClinVar (database versions not stated): TOPMed below 0.00001; gnomAD 0.00002.
gnomAD v4.1: 18 of 1,613,228 alleles (0.0011%); highest among the groups gnomAD compares: African/African-American, 0.0013%; no homozygotes.

Submissions (5):

Women's Health and Genetics/Laboratory Corporation of America, LabCorp
Classification: Uncertain significance. Last evaluated: 2025-10-20. Review status: criteria provided, single submitter. Criteria: LabCorp Variant Classification Summary - May 2015. Collection method: clinical testing. Allele origin: germline.
Comment: Variant summary: RAI1 c.1310C>G (p.Ala437Gly) results in a non-conservative amino acid change in the encoded protein sequence. Algorithms developed to predict the effect of missense changes on protein structure and function all suggest that this variant is likely to be disruptive. The variant allele was found at a frequency of 4e-06 in 250252 control chromosomes. The available data on variant occurrences in the general population are insufficient to allow any conclusion about variant significance. To our knowledge, no occurrence of c.1310C>G in individuals affected with RAI1-related conditions and no experimental evidence demonstrating its impact on protein function have been reported. ClinVar contains an entry for this variant (Variation ID: 1200486). Based on the evidence outlined above, the variant was classified as uncertain significance.

Labcorp Genetics (formerly Invitae), Labcorp
Classification: Likely benign. Last evaluated: 2024-02-18. Review status: criteria provided, single submitter. Criteria: Invitae Variant Classification Sherloc (09022015). Collection method: clinical testing. Allele origin: germline.

Ambry Genetics
Classification: Uncertain significance for Inborn genetic diseases. Last evaluated: 2020-11-17. Review status: criteria provided, single submitter. Criteria: Ambry Variant Classification Scheme 2023. Collection method: clinical testing. Allele origin: germline.
Comment: The c.1310C>G (p.A437G) alteration is located in exon 3 (coding exon 1) of the RAI1 gene. This alteration results from a C to G substitution at nucleotide position 1310, causing the alanine (A) at amino acid position 437 to be replaced by a glycine (G). The in silico prediction for the p.A437G alteration is inconclusive. Based on insufficient or conflicting evidence, the clinical significance of this alteration remains unclear.

GeneDx
Classification: Likely benign. Last evaluated: 2018-12-23. Review status: criteria provided, single submitter. Criteria: GeneDx Variant Classification Process June 2021. Collection method: clinical testing. Allele origin: germline. Affected: yes.

PreventionGenetics, part of Exact Sciences
Classification: Likely benign for RAI1-related condition. Last evaluated: 2023-06-20. Review status: no assertion criteria provided. Collection method: clinical testing. Allele origin: germline. Not counted in ClinVar's aggregate classification.
Comment: This variant is classified as likely benign based on ACMG/AMP sequence variant interpretation guidelines (Richards et al. 2015 PMID: 25741868, with internal and published modifications).

NM_030665.4(RAI1):c.1310C>G (p.Ala437Gly)

Gene: RAI1 (retinoic acid induced 1; plus strand). Cytogenetic location: 17p11.2.
Variant type: single nucleotide variant.
Coding change: c.1310C>G on transcript NM_030665.4 (MANE Select); coding-DNA position 1310, C replaced by G.
Protein change: p.Ala437Gly; replaces alanine 437 with glycine.
Molecular consequence: missense variant.
Genome position (GRCh38, 1-based): chr17:17,794,258, C>G. VCF-style: chr17-17794258-C-G. GRCh37 (hg19) VCF-style: chr17-17697572-C-G.
Other names: short protein forms A437G.
Identifiers: ClinVar variation 1200486 (VCV001200486.14), dbSNP rs767340319, ClinGen allele CA398547472.
Genomic context (GRCh38, chr17:17,794,258, plus strand): 5'-TTCAGAAGGACAAGCTCCCTGAGAACCTGCTGTCGGATCTCAGCCTGCAGAGCCTCACGG[C>G]GCTGACCTCACAGGTGGAGAACATCTCCAACACCGTCCAGCAGCTGCTGCTCTCCAAGGC-3'
Protein context (NP_109590.3, residues 427-447): LSDLSLQSLT[Ala437Gly]LTSQVENISN